The following is an entry in ClinVar:

ClinVar aggregate classification (germline): Uncertain significance. Review status: criteria provided, multiple submitters, no conflicts (2 of 4 stars). 2 submissions from 2 submitters: Uncertain significance (2). Last evaluated 2025-01-07.

Conditions:
DICER1-related tumor predisposition. Also called: DICER1 syndrome; DICER1-related pleuropulmonary blastoma cancer predisposition syndrome. Identifiers: Orphanet 284343, MedGen C3839822, MONDO:0100216.
Hereditary cancer-predisposing syndrome. Also called: Neoplastic Syndromes, Hereditary; Hereditary neoplastic syndrome; Hereditary Cancer Syndrome; Tumor predisposition. Identifiers: Orphanet 140162, MedGen C0027672, MeSH D009386, MONDO:0015356.

Submissions (2):

Labcorp Genetics (formerly Invitae), Labcorp
Classification: Uncertain significance for DICER1-related tumor predisposition. Last evaluated: 2025-01-07. Review status: criteria provided, single submitter. Criteria: Invitae Variant Classification Sherloc (09022015). Collection method: clinical testing. Allele origin: germline.
Comment: This sequence change replaces proline, which is neutral and non-polar, with leucine, which is neutral and non-polar, at codon 375 of the DICER1 protein (p.Pro375Leu). This variant is not present in population databases (gnomAD no frequency). This variant has not been reported in the literature in individuals affected with DICER1-related conditions. ClinVar contains an entry for this variant (Variation ID: 656035). Invitae Evidence Modeling of protein sequence and biophysical properties (such as structural, functional, and spatial information, amino acid conservation, physicochemical variation, residue mobility, and thermodynamic stability) has been performed for this missense variant. However, the output from this modeling did not meet the statistical confidence thresholds required to predict the impact of this variant on DICER1 protein function. In summary, the available evidence is currently insufficient to determine the role of this variant in disease. Therefore, it has been classified as a Variant of Uncertain Significance.

Ambry Genetics
Classification: Uncertain significance for Hereditary cancer-predisposing syndrome. Last evaluated: 2024-10-09. Review status: criteria provided, single submitter. Criteria: Ambry Variant Classification Scheme 2023. Collection method: clinical testing. Allele origin: germline.
Comment: The p.P375L variant (also known as c.1124C>T), located in coding exon 7 of the DICER1 gene, results from a C to T substitution at nucleotide position 1124. The proline at codon 375 is replaced by leucine, an amino acid with similar properties. This amino acid position is highly conserved in available vertebrate species. In addition, the in silico prediction for this alteration is inconclusive. Since supporting evidence is limited at this time, the clinical significance of this alteration remains unclear.

NM_177438.3(DICER1):c.1124C>T (p.Pro375Leu)

Gene: DICER1 (dicer 1, ribonuclease III; minus strand). Cytogenetic location: 14q32.13.
Variant type: single nucleotide variant.
Coding change: c.1124C>T on transcript NM_177438.3 (MANE Select); coding-DNA position 1124, C replaced by T.
Protein change: p.Pro375Leu; replaces proline 375 with leucine.
Molecular consequence: missense variant.
Genome position (GRCh38, 1-based): chr14:95,124,448, G>A on the plus strand (C>T on the coding strand, the complement: DICER1 is on the minus strand). VCF-style: chr14-95124448-G-A. GRCh37 (hg19) VCF-style: chr14-95590785-G-A.
Other names: c.1124C>T, p.Pro375Leu (NM_001195573.1, NM_001271282.3, NM_001291628.2 and 1 more transcripts); short protein forms P375L.
Identifiers: ClinVar variation 656035 (VCV000656035.15), dbSNP rs148758903, ClinGen allele CA390886910.